The following is an entry in ClinVar:

ClinVar aggregate classification (germline): Uncertain significance. Review status: criteria provided, multiple submitters, no conflicts (2 of 4 stars). 3 submissions from 3 submitters: Uncertain significance (3). Last evaluated 2025-04-03.

Conditions:
Inborn genetic diseases. Identifiers: MedGen C0950123, MeSH D030342.

Allele frequency attached by ClinVar (database versions not stated): ESP Exome Variant Server 0.00008; ExAC 0.00016; gnomAD exomes 0.00018; TOPMed 0.00020; gnomAD 0.00022; 1000 Genomes Project 0.00040; 1000 Genomes Project 30x 0.00047.
gnomAD v4.1: 273 of 1,513,352 alleles (0.018%); highest among the groups gnomAD compares: Middle Eastern, 0.22%; 1 homozygote.

Submissions (3):

Ambry Genetics
Classification: Uncertain significance for Inborn genetic diseases. Last evaluated: 2025-04-03. Review status: criteria provided, single submitter. Criteria: Ambry Variant Classification Scheme 2023. Collection method: clinical testing. Allele origin: germline.

Blueprint Genetics
Classification: Uncertain significance. Last evaluated: 2024-10-08. Review status: criteria provided, single submitter. Criteria: ACMG Guidelines, 2015. Collection method: clinical testing. Allele origin: germline.

Labcorp Genetics (formerly Invitae), Labcorp
Classification: Uncertain significance. Last evaluated: 2024-01-17. Review status: criteria provided, single submitter. Criteria: Invitae Variant Classification Sherloc (09022015). Collection method: clinical testing. Allele origin: germline.
Comment: This sequence change replaces arginine, which is basic and polar, with histidine, which is basic and polar, at codon 722 of the TOP3A protein (p.Arg722His). This variant is present in population databases (rs200281269, gnomAD 0.1%). This variant has not been reported in the literature in individuals affected with TOP3A-related conditions. ClinVar contains an entry for this variant (Variation ID: 2193875). An algorithm developed to predict the effect of missense changes on protein structure and function (PolyPhen-2) suggests that this variant is likely to be disruptive. In summary, the available evidence is currently insufficient to determine the role of this variant in disease. Therefore, it has been classified as a Variant of Uncertain Significance.

NM_004618.5(TOP3A):c.2165G>A (p.Arg722His)

Gene: TOP3A (DNA topoisomerase III alpha; minus strand). Cytogenetic location: 17p11.2.
Variant type: single nucleotide variant.
Coding change: c.2165G>A on transcript NM_004618.5 (MANE Select); coding-DNA position 2165, G replaced by A.
Protein change: p.Arg722His; replaces arginine 722 with histidine.
Molecular consequence: missense variant.
Genome position (GRCh38, 1-based): chr17:18,278,337, C>T on the plus strand (G>A on the coding strand, the complement: TOP3A is on the minus strand). VCF-style: chr17-18278337-C-T. GRCh37 (hg19) VCF-style: chr17-18181651-C-T.
Other names: c.2165G>A (NM_004618.3); c.1880G>A, p.Arg627His (NM_001320759.2); short protein forms R627H, R722H.
Identifiers: ClinVar variation 2193875 (VCV002193875.5), dbSNP rs200281269, ClinGen allele CA8429671.